The following is an entry in ClinVar:

NM_001875.5(CPS1):c.3623T>A (p.Leu1208Gln)

Gene: CPS1 (carbamoyl-phosphate synthase 1; plus strand). Cytogenetic location: 2q34.
Variant type: single nucleotide variant.
Coding change: c.3623T>A on transcript NM_001875.5 (MANE Select); coding-DNA position 3623, T replaced by A.
Protein change: p.Leu1208Gln; replaces leucine 1208 with glutamine.
Molecular consequence: missense variant. On other transcripts: non-coding transcript variant (2).
Genome position (GRCh38, 1-based): chr2:210,656,589, T>A. VCF-style: chr2-210656589-T-A. GRCh37 (hg19) VCF-style: chr2-211521313-T-A.
Other names: c.3623T>A, p.Leu1208Gln (NM_001122633.3, NM_001369257.1); c.3656T>A, p.Leu1219Gln (NM_001369256.1); short protein forms L1208Q, L1219Q.
Identifiers: ClinVar variation 1441890 (VCV001441890.6), dbSNP rs2105917916, ClinGen allele CA350437851.

ClinVar aggregate classification (germline): Uncertain significance (1 of 4 stars; one submission).

Conditions:
Congenital hyperammonemia, type I. Also called: Carbamoyl phosphate synthetase I deficiency disease; Carbamoyl-phosphate synthase I deficiency; Carbamoyl phosphate synthetase 1 deficiency; Hyperammonemia due to carbamoyl phosphate synthetase 1 deficiency; CPS 1 deficiency; Carbamyl phosphate synthetase (CPS) deficiency. Identifiers: Orphanet 147, MedGen C4082171, MONDO:0009376, OMIM 237300.

Submission:

Labcorp Genetics (formerly Invitae), Labcorp
Classification: Uncertain significance for Congenital hyperammonemia, type I. Last evaluated: 2021-09-07. Review status: criteria provided, single submitter. Criteria: Invitae Variant Classification Sherloc (09022015). Collection method: clinical testing. Allele origin: germline.
Comment: In summary, the available evidence is currently insufficient to determine the role of this variant in disease. Therefore, it has been classified as a Variant of Uncertain Significance. Algorithms developed to predict the effect of missense changes on protein structure and function are either unavailable or do not agree on the potential impact of this missense change (SIFT: "Deleterious"; PolyPhen-2: "Probably Damaging"; Align-GVGD: "Class C0"). This variant has not been reported in the literature in individuals affected with CPS1-related conditions. This variant is not present in population databases (ExAC no frequency). This sequence change replaces leucine with glutamine at codon 1208 of the CPS1 protein (p.Leu1208Gln). The leucine residue is highly conserved and there is a moderate physicochemical difference between leucine and glutamine.